The following is an entry in ClinVar:

ClinVar aggregate classification (germline): Pathogenic (1 of 4 stars; one submission).

Submission:

Labcorp Genetics (formerly Invitae), Labcorp
Classification: Pathogenic. Last evaluated: 2025-05-25. Review status: criteria provided, single submitter. Criteria: Invitae Variant Classification Sherloc (09022015). Collection method: clinical testing. Allele origin: germline.
Comment: This sequence change replaces leucine, which is neutral and non-polar, with proline, which is neutral and non-polar, at codon 164 of the LMX1B protein (p.Leu164Pro). This variant is not present in population databases (gnomAD no frequency). This missense change has been observed in individual(s) with nail patella syndrome (internal data). In at least one individual the variant was observed to be de novo. ClinVar contains an entry for this variant (Variation ID: 1719094). Invitae Evidence Modeling of protein sequence and biophysical properties (such as structural, functional, and spatial information, amino acid conservation, physicochemical variation, residue mobility, and thermodynamic stability) indicates that this missense variant is expected to disrupt LMX1B protein function with a positive predictive value of 80%. For these reasons, this variant has been classified as Pathogenic.

NM_001174147.2(LMX1B):c.491T>C (p.Leu164Pro)

Gene: LMX1B (LIM homeobox transcription factor 1 beta; plus strand). Cytogenetic location: 9q33.3.
Variant type: single nucleotide variant.
Coding change: c.491T>C on transcript NM_001174147.2 (MANE Select); coding-DNA position 491, T replaced by C.
Protein change: p.Leu164Pro; replaces leucine 164 with proline.
Molecular consequence: missense variant.
Genome position (GRCh38, 1-based): chr9:126,691,000, T>C. VCF-style: chr9-126691000-T-C. GRCh37 (hg19) VCF-style: chr9-129453279-T-C.
Other names: c.491T>C, p.Leu164Pro (NM_001174146.2, NM_002316.4); short protein forms L164P.
Identifiers: ClinVar variation 1719094 (VCV001719094.5), dbSNP rs2490682861, ClinGen allele CA374912706.